The following is an entry in ClinVar:

NM_001201543.2(FAM161A):c.550G>T (p.Glu184Ter)

Gene: FAM161A (FAM161 centrosomal protein A; minus strand). Cytogenetic location: 2p15.
Variant type: single nucleotide variant.
Coding change: c.550G>T on transcript NM_001201543.2 (MANE Select); coding-DNA position 550, G replaced by T.
Protein change: p.Glu184Ter; replaces glutamic acid 184 with a stop codon.
Molecular consequence: nonsense. On other transcripts: non-coding transcript variant (1).
Genome position (GRCh38, 1-based): chr2:61,840,454, C>A on the plus strand (G>T on the coding strand, the complement: FAM161A is on the minus strand). VCF-style: chr2-61840454-C-A. GRCh37 (hg19) VCF-style: chr2-62067589-C-A.
Other names: c.550G>T, p.Glu184Ter (NM_032180.3); short protein forms E184*.
Identifiers: ClinVar variation 3728038 (VCV003728038.2).
Genomic context (GRCh38, chr2:61,840,454, plus strand): 5'-TCCACATATTGTTGATGAGCTCCTTAGCATAGGTCATCATTCTGTTTTTCCTAGGATACT[C>A]TTTTTCTAGGTTGGGTAACTCCTCTTCAGAGGAGGACACATACAAGGAGGAAGACTGGCC-3'

ClinVar aggregate classification (germline): Pathogenic (1 of 4 stars; one submission).

gnomAD v4.1: 6 of 1,613,998 alleles (0.00037%); highest among the groups gnomAD compares: Non-Finnish European, 0.00051%; no homozygotes.

Submission:

Labcorp Genetics (formerly Invitae), Labcorp
Classification: Pathogenic. Last evaluated: 2024-12-24. Review status: criteria provided, single submitter. Criteria: Invitae Variant Classification Sherloc (09022015). Collection method: clinical testing. Allele origin: germline.
Comment: This sequence change creates a premature translational stop signal (p.Glu184*) in the FAM161A gene. It is expected to result in an absent or disrupted protein product. Loss-of-function variants in FAM161A are known to be pathogenic (PMID: 20705278, 20705279, 24651477). This variant is not present in population databases (gnomAD no frequency). This variant has not been reported in the literature in individuals affected with FAM161A-related conditions. For these reasons, this variant has been classified as Pathogenic.

Literature cited by the submitters: PubMed 20705278; PubMed 20705279; PubMed 24651477.